The following is an entry in ClinVar:

NM_032581.4(HYCC1):c.1371C>A (p.Val457=)

Gene: HYCC1 (hyccin PI4KA lipid kinase complex subunit 1; minus strand). Cytogenetic location: 7p15.3.
Variant type: single nucleotide variant.
Coding change: c.1371C>A on transcript NM_032581.4 (MANE Select); coding-DNA position 1371, C replaced by A.
Protein change: p.Val457=; no amino-acid change (valine 457 retained).
Molecular consequence: synonymous variant. On other transcripts: 3 prime UTR variant (2).
Genome position (GRCh38, 1-based): chr7:22,945,784, G>T on the plus strand (C>A on the coding strand, the complement: HYCC1 is on the minus strand). VCF-style: chr7-22945784-G-T. GRCh37 (hg19) VCF-style: chr7-22985403-G-T.
Other names: c.*407C>A (NM_001363466.2); c.*365C>A (NM_001363467.2).
Identifiers: ClinVar variation 1995184 (VCV001995184.4), dbSNP rs780195362, ClinGen allele CA454140906.

ClinVar aggregate classification (germline): Uncertain significance (1 of 4 stars; one submission).

Conditions:
Hypomyelination and Congenital Cataract (HLD5). Also called: hypomyelinating leukodystrophy 5. Identifiers: Orphanet 85163, MedGen C1864663, MONDO:0012514, OMIM 610532.

Submission:

Labcorp Genetics (formerly Invitae), Labcorp
Classification: Uncertain significance for Hypomyelination and Congenital Cataract. Last evaluated: 2022-05-16. Review status: criteria provided, single submitter. Criteria: Invitae Variant Classification Sherloc (09022015). Collection method: clinical testing. Allele origin: germline.
Comment: Algorithms developed to predict the effect of sequence changes on RNA splicing suggest that this variant may create or strengthen a splice site. In summary, the available evidence is currently insufficient to determine the role of this variant in disease. Therefore, it has been classified as a Variant of Uncertain Significance. This variant has not been reported in the literature in individuals affected with FAM126A-related conditions. This variant is not present in population databases (gnomAD no frequency). This sequence change affects codon 457 of the FAM126A mRNA. It is a 'silent' change, meaning that it does not change the encoded amino acid sequence of the FAM126A protein.